The following is an entry in ClinVar:

NM_001171.6(ABCC6):c.1955C>T (p.Thr652Met)

Gene: ABCC6 (ATP binding cassette subfamily C member 6; minus strand). Cytogenetic location: 16p13.11.
Variant type: single nucleotide variant.
Coding change: c.1955C>T on transcript NM_001171.6 (MANE Select); coding-DNA position 1955, C replaced by T.
Protein change: p.Thr652Met; replaces threonine 652 with methionine.
Molecular consequence: missense variant. On other transcripts: non-coding transcript variant (1).
Genome position (GRCh38, 1-based): chr16:16,182,919, G>A on the plus strand (C>T on the coding strand, the complement: ABCC6 is on the minus strand). VCF-style: chr16-16182919-G-A. GRCh37 (hg19) VCF-style: chr16-16276776-G-A.
Other names: c.1613C>T, p.Thr538Met (NM_001351800.1); short protein forms T538M, T652M.
Identifiers: ClinVar variation 870732 (VCV000870732.46), dbSNP rs146936233, ClinGen allele CA7926076.

ClinVar aggregate classification (germline): Uncertain significance. Review status: criteria provided, multiple submitters, no conflicts (2 of 4 stars). 3 submissions from 3 submitters: Uncertain significance (3). Last evaluated 2025-01-06.

Allele frequency attached by ClinVar (database versions not stated): gnomAD exomes 0.00004 and 0.00006; gnomAD 0.00006 and 0.00009; ExAC 0.00007; ESP Exome Variant Server 0.00008; TOPMed 0.00010.
gnomAD v4.1: 82 of 1,614,126 alleles (0.0051%); highest among the groups gnomAD compares: Middle Eastern, 0.082%; 1 homozygote.

Submissions (3):

Labcorp Genetics (formerly Invitae), Labcorp
Classification: Uncertain significance. Last evaluated: 2025-01-06. Review status: criteria provided, single submitter. Criteria: Invitae Variant Classification Sherloc (09022015). Collection method: clinical testing. Allele origin: germline.
Comment: This sequence change replaces threonine, which is neutral and polar, with methionine, which is neutral and non-polar, at codon 652 of the ABCC6 protein (p.Thr652Met). This variant is present in population databases (rs146936233, gnomAD 0.02%). This variant has not been reported in the literature in individuals affected with ABCC6-related conditions. ClinVar contains an entry for this variant (Variation ID: 870732). Invitae Evidence Modeling of protein sequence and biophysical properties (such as structural, functional, and spatial information, amino acid conservation, physicochemical variation, residue mobility, and thermodynamic stability) has been performed for this missense variant. However, the output from this modeling did not meet the statistical confidence thresholds required to predict the impact of this variant on ABCC6 protein function. In summary, the available evidence is currently insufficient to determine the role of this variant in disease. Therefore, it has been classified as a Variant of Uncertain Significance.

Blueprint Genetics
Classification: Uncertain significance. Last evaluated: 2024-08-22. Review status: criteria provided, single submitter. Criteria: ACMG Guidelines, 2015. Collection method: clinical testing. Allele origin: germline.

CeGaT Center for Human Genetics Tuebingen
Classification: Uncertain significance. Last evaluated: 2019-07-01. Review status: criteria provided, single submitter. Criteria: CeGaT Center For Human Genetics Tuebingen Variant Classification Criteria Version 2. Collection method: clinical testing. Allele origin: germline. Affected: yes. Observed: 1 variant allele.